The following is an entry in ClinVar:

NM_002180.3(IGHMBP2):c.1143C>T (p.Leu381=)

Gene: IGHMBP2 (immunoglobulin mu DNA binding protein 2; plus strand). Cytogenetic location: 11q13.3.
Variant type: single nucleotide variant.
Coding change: c.1143C>T on transcript NM_002180.3 (MANE Select); coding-DNA position 1143, C replaced by T.
Protein change: p.Leu381=; no amino-acid change (leucine 381 retained).
Molecular consequence: synonymous variant.
Genome position (GRCh38, 1-based): chr11:68,929,265, C>T. VCF-style: chr11-68929265-C-T. GRCh37 (hg19) VCF-style: chr11-68696733-C-T.
Identifiers: ClinVar variation 466573 (VCV000466573.48), dbSNP rs145314949, ClinGen allele CA6153530.

ClinVar aggregate classification (germline): Likely benign. Review status: criteria provided, multiple submitters, no conflicts (2 of 4 stars). 5 submissions from 5 submitters: Likely benign (5). Last evaluated 2026-03-04.

Conditions:
IGHMBP2-related disorder. Also called: IGHMBP2-related condition; IGHMBP2-related disorders.
Inborn genetic diseases. Identifiers: MedGen C0950123, MeSH D030342.
Autosomal recessive distal spinal muscular atrophy 1. Also called: Spinal muscular atrophy with respiratory distress 1; NEURONOPATHY, DISTAL HEREDITARY MOTOR, HARDING TYPE VI; NEUROPATHY, DISTAL HEREDITARY MOTOR, AUTOSOMAL RECESSIVE 1; NEURONOPATHY, SEVERE INFANTILE AXONAL, WITH RESPIRATORY FAILURE; SEVERE INFANTILE AXONAL NEUROPATHY WITH RESPIRATORY FAILURE; SPINAL MUSCULAR ATROPHY, DIAPHRAGMATIC. Identifiers: Orphanet 98920, MedGen C1858517, MONDO:0011436, OMIM 604320.
Charcot-Marie-Tooth disease axonal type 2S. Also called: CHARCOT-MARIE-TOOTH NEUROPATHY, TYPE 2S; CHARCOT-MARIE-TOOTH DISEASE, AXONAL, AUTOSOMAL RECESSIVE, TYPE 2S. Identifiers: Orphanet 443073, MedGen C4015349, MONDO:0014511, OMIM 616155.

Allele frequency attached by ClinVar (database versions not stated): ExAC 0.00007; TOPMed 0.00009; gnomAD exomes 0.00010 and 0.00021; gnomAD 0.00011; ESP Exome Variant Server 0.00023.

Submissions (5):

PreventionGenetics, part of Exact Sciences
Classification: Likely benign for IGHMBP2-related condition. Last evaluated: 2026-03-04. Review status: criteria provided, single submitter. Criteria: ACMG Guidelines, 2015. Collection method: clinical testing. Allele origin: germline.
Comment: This variant is classified as likely benign based on ACMG/AMP sequence variant interpretation guidelines (Richards et al. 2015 PMID: 25741868, with internal and published modifications).

CeGaT Center for Human Genetics Tuebingen
Classification: Likely benign. Last evaluated: 2026-01-01. Review status: criteria provided, single submitter. Criteria: CeGaT Center For Human Genetics Tuebingen Variant Classification Criteria Version 2. Collection method: clinical testing. Allele origin: germline. Affected: yes. Observed: 3 variant alleles.
Comment: IGHMBP2: BP4, BP7

Labcorp Genetics (formerly Invitae), Labcorp
Classification: Likely benign for Autosomal recessive distal spinal muscular atrophy 1; Charcot-Marie-Tooth disease axonal type 2S. Last evaluated: 2025-06-25. Review status: criteria provided, single submitter. Criteria: Invitae Variant Classification Sherloc (09022015). Collection method: clinical testing. Allele origin: germline.

Ambry Genetics
Classification: Likely benign for Inborn genetic diseases. Last evaluated: 2019-07-11. Review status: criteria provided, single submitter. Criteria: Ambry Variant Classification Scheme 2023. Collection method: clinical testing. Allele origin: germline.

GeneDx
Classification: Likely benign. Last evaluated: 2017-01-18. Review status: criteria provided, single submitter. Criteria: GeneDx Variant Classification (06012015). Collection method: clinical testing. Allele origin: germline. Affected: yes.
Comment: This variant is considered likely benign or benign based on one or more of the following criteria: it is a conservative change, it occurs at a poorly conserved position in the protein, it is predicted to be benign by multiple in silico algorithms, and/or has population frequency not consistent with disease.